The following is an entry in ClinVar:

NM_020708.5(SLC12A5):c.3101G>A (p.Ser1034Asn)

Gene: SLC12A5 (solute carrier family 12 member 5; plus strand). Cytogenetic location: 20q13.12.
Variant type: single nucleotide variant.
Coding change: c.3101G>A on transcript NM_020708.5 (MANE Select); coding-DNA position 3101, G replaced by A.
Protein change: p.Ser1034Asn; replaces serine 1034 with asparagine.
Molecular consequence: missense variant.
Genome position (GRCh38, 1-based): chr20:46,056,555, G>A. VCF-style: chr20-46056555-G-A. GRCh37 (hg19) VCF-style: chr20-44685194-G-A.
Other names: c.3170G>A, p.Ser1057Asn (NM_001134771.2); short protein forms S1034N, S1057N.
Identifiers: ClinVar variation 1509264 (VCV001509264.8), dbSNP rs750612388, ClinGen allele CA409208286.
Genomic context (GRCh38, chr20:46,056,555, plus strand): 5'-TGGCAGAGAAGAATAAGGGCCCCAGTCCTGTCTCCTCTGAGGGCATCAAGGACTTCTTCA[G>A]CATGAAGCCGTACGGGCCTGGGGGCTAAGGGCTGGGGGCTGGGGTGAGCTAAAGGGTCTT-3'
Protein context (NP_065759.1, residues 1024-1044): VSSEGIKDFF[Ser1034Asn]MKPEWENLNQ

ClinVar aggregate classification (germline): Uncertain significance (1 of 4 stars; one submission).

Conditions:
Developmental and epileptic encephalopathy, 34 (DEE34). Also called: SLC12A5-Related Epilepsy of Infancy with Migrating Focal Seizures; Early infantile epileptic encephalopathy 34. Identifiers: Orphanet 293181, MedGen C4225257, MONDO:0014718, OMIM 616645.

gnomAD v4.1: 1 of 1,613,938 alleles (0.000062%); highest among the groups gnomAD compares: Non-Finnish European, 0.000085%; no homozygotes.

Submission:

Labcorp Genetics (formerly Invitae), Labcorp
Classification: Uncertain significance for Developmental and epileptic encephalopathy, 34. Last evaluated: 2024-10-22. Review status: criteria provided, single submitter. Criteria: Invitae Variant Classification Sherloc (09022015). Collection method: clinical testing. Allele origin: germline.
Comment: This sequence change replaces serine, which is neutral and polar, with asparagine, which is neutral and polar, at codon 1034 of the SLC12A5 protein (p.Ser1034Asn). This variant is present in population databases (no rsID available, gnomAD 0.0009%). This variant has not been reported in the literature in individuals affected with SLC12A5-related conditions. ClinVar contains an entry for this variant (Variation ID: 1509264). Invitae Evidence Modeling of protein sequence and biophysical properties (such as structural, functional, and spatial information, amino acid conservation, physicochemical variation, residue mobility, and thermodynamic stability) indicates that this missense variant is not expected to disrupt SLC12A5 protein function with a negative predictive value of 95%. In summary, the available evidence is currently insufficient to determine the role of this variant in disease. Therefore, it has been classified as a Variant of Uncertain Significance.